The following is an entry in ClinVar:

ClinVar aggregate classification (germline): Uncertain significance. Review status: criteria provided, multiple submitters, no conflicts (2 of 4 stars). 2 submissions from 2 submitters: Uncertain significance (2). Last evaluated 2025-03-19.

Conditions:
Progressive external ophthalmoplegia with mitochondrial DNA deletions, autosomal dominant 4. Also called: PROGRESSIVE EXTERNAL OPHTHALMOPLEGIA, AUTOSOMAL DOMINANT 4. Identifiers: MedGen C1864668, MONDO:0012415, OMIM 610131.

Allele frequency attached by ClinVar (database versions not stated): ExAC 0.00001; gnomAD exomes 0.00001; ESP Exome Variant Server 0.00008.

Submissions (2):

Labcorp Genetics (formerly Invitae), Labcorp
Classification: Uncertain significance. Last evaluated: 2025-03-19. Review status: criteria provided, single submitter. Criteria: Invitae Variant Classification Sherloc (09022015). Collection method: clinical testing. Allele origin: germline.
Comment: This sequence change replaces alanine, which is neutral and non-polar, with serine, which is neutral and polar, at codon 482 of the POLG2 protein (p.Ala482Ser). This variant is present in population databases (rs376087529, gnomAD 0.004%). This variant has not been reported in the literature in individuals affected with POLG2-related conditions. ClinVar contains an entry for this variant (Variation ID: 215027). An algorithm developed to predict the effect of missense changes on protein structure and function (PolyPhen-2) suggests that this variant is likely to be disruptive. In summary, the available evidence is currently insufficient to determine the role of this variant in disease. Therefore, it has been classified as a Variant of Uncertain Significance.

Baylor Genetics
Classification: Uncertain significance for Progressive external ophthalmoplegia with mitochondrial DNA deletions, autosomal dominant 4. Last evaluated: 2018-04-22. Review status: criteria provided, single submitter. Criteria: ACMG Guidelines, 2015. Collection method: clinical testing. Allele origin: paternal. Affected: yes.
Comment: This variant was determined to be of uncertain significance according to ACMG Guidelines, 2015 [PMID:25741868].

NM_007215.4(POLG2):c.1444G>T (p.Ala482Ser)

Genes: MILR1 (mast cell immunoglobulin like receptor 1; plus strand), POLG2 (DNA polymerase gamma 2, accessory subunit; minus strand). Cytogenetic location: 17q23.3.
Variant type: single nucleotide variant.
Coding change: c.1444G>T on transcript NM_007215.4 (MANE Select); coding-DNA position 1444, G replaced by T.
Protein change: p.Ala482Ser; replaces alanine 482 with serine.
Molecular consequence: missense variant.
Genome position (GRCh38, 1-based): chr17:64,477,837, C>A on the plus strand (G>T on the coding strand, the complement: POLG2 is on the minus strand). VCF-style: chr17-64477837-C-A. GRCh37 (hg19) VCF-style: chr17-62473954-C-A.
Other names: short protein forms A482S.
Identifiers: ClinVar variation 215027 (VCV000215027.5), dbSNP rs376087529, ClinGen allele CA320346.